The following is an entry in ClinVar:

ClinVar aggregate classification (germline): Uncertain significance (1 of 4 stars; one submission).

Submission:

Ambry Genetics
Classification: Uncertain significance. Last evaluated: 2021-05-19. Review status: criteria provided, single submitter. Criteria: Ambry Variant Classification Scheme 2023. Collection method: clinical testing. Allele origin: germline.
Comment: The p.H658Q variant (also known as c.1974T>G), located in coding exon 13 of the RINT1 gene, results from a T to G substitution at nucleotide position 1974. The histidine at codon 658 is replaced by glutamine, an amino acid with highly similar properties. This amino acid position is poorly conserved in available vertebrate species. In addition, this alteration is predicted to be tolerated by in silico analysis. Since supporting evidence is limited at this time, the clinical significance of this alteration remains unclear.

NM_021930.6(RINT1):c.1974T>G (p.His658Gln)

Genes: EFCAB10 (EF-hand calcium binding domain 10; minus strand), RINT1 (RAD50 interactor 1; plus strand). Cytogenetic location: 7q22.3.
Variant type: single nucleotide variant.
Coding change: c.1974T>G on transcript NM_021930.6 (MANE Select); coding-DNA position 1974, T replaced by G.
Protein change: p.His658Gln; replaces histidine 658 with glutamine.
Molecular consequence: missense variant. On other transcripts: 3 prime UTR variant (3), non-coding transcript variant (1).
Genome position (GRCh38, 1-based): chr7:105,565,364, T>G. VCF-style: chr7-105565364-T-G. GRCh37 (hg19) VCF-style: chr7-105205811-T-G.
Other names: c.*83A>C (NM_001355526.2); c.*185A>C (NM_001355530.2); c.*38A>C (NM_001355531.2); c.1740T>G, p.His580Gln (NM_001346599.2); c.951T>G, p.His317Gln (NM_001346600.2, NM_001346603.2); c.1050T>G, p.His350Gln (NM_001346601.2); short protein forms H350Q, H580Q, H658Q, H317Q.
Identifiers: ClinVar variation 1783685 (VCV001783685.2), dbSNP rs113164663, ClinGen allele CA368814807.